The following is an entry in ClinVar:

NM_001136154.1(ERG):c.39G>A (p.Lys13=)

Gene: ERG (ETS transcription factor ERG; minus strand). Cytogenetic location: 21q22.2.
Variant type: single nucleotide variant.
Coding change: c.39G>A on transcript NM_001136154.1; coding-DNA position 39, G replaced by A.
Protein change: p.Lys13=; no amino-acid change (lysine 13 retained).
Molecular consequence: synonymous variant. On other transcripts: 5 prime UTR variant (1), non-coding transcript variant (1).
Genome position (GRCh38, 1-based): chr21:38,575,662, C>T on the plus strand (G>A on the coding strand, the complement: ERG is on the minus strand). VCF-style: chr21-38575662-C-T. GRCh37 (hg19) VCF-style: chr21-39947586-C-T.
Other names: NC_000021.8:g.39947586C>T; c.39G>A, p.Lys13= (NM_001243428.1, NM_001243432.2, NM_001291391.1 and 1 more transcripts); c.-41G>A (NM_001243429.1).
Identifiers: ClinVar variation 4454317 (VCV004454317.3).

ClinVar aggregate classification (germline): Likely benign (1 of 4 stars; one submission).

Submissions (2):

CeGaT Center for Human Genetics Tuebingen
Classification: Likely benign. Last evaluated: 2026-06-01. Review status: criteria provided, single submitter. Criteria: CeGaT Center For Human Genetics Tuebingen Variant Classification Criteria Version 2. Collection method: clinical testing. Allele origin: germline. Affected: yes. Observed: 1 variant allele.
Comment: ERG: BP4, BS2

Dr. Peter K. Rogan Lab, Western University
No classification provided (evidence only). Condition: Clear cell carcinoma of kidney. Review status: no classification provided. Collection method: in vitro. Allele origin: not applicable. Functional consequence: retained intron. Not counted in ClinVar's aggregate classification.